The following is an entry in ClinVar:

NM_020207.7(ERCC6L2):c.4452G>A (p.Glu1484=)

Gene: ERCC6L2 (ERCC excision repair 6 like 2; plus strand). Cytogenetic location: 9q22.32.
Variant type: single nucleotide variant.
Coding change: c.4452G>A on transcript NM_020207.7 (MANE Select); coding-DNA position 4452, G replaced by A.
Protein change: p.Glu1484=; no amino-acid change (glutamic acid 1484 retained).
Molecular consequence: synonymous variant. On other transcripts: non-coding transcript variant (1), intron variant (2).
Genome position (GRCh38, 1-based): chr9:96,013,002, G>A. VCF-style: chr9-96013002-G-A. GRCh37 (hg19) VCF-style: chr9-98775284-G-A.
Other names: c.3674+8301G>A (NM_001375291.1, NM_001375292.1); c.4485G>A (NM_020207.4).
Identifiers: ClinVar variation 1638203 (VCV001638203.9), dbSNP rs144076442, ClinGen allele CA5140109.

ClinVar aggregate classification (germline): Likely benign. Review status: criteria provided, single submitter (1 of 4 stars). 2 submissions from 2 submitters: Likely benign (1). 1 of the submissions does not count toward it. Last evaluated 2024-03-27.

Conditions:
ERCC6L2-related disorder. Also called: ERCC6L2-related condition.

Allele frequency attached by ClinVar (database versions not stated): ESP Exome Variant Server 0.00023.
gnomAD v4.1: 35 of 1,367,428 alleles (0.0026%); highest among the groups gnomAD compares: African/African-American, 0.043%; no homozygotes.

Submissions (2):

Labcorp Genetics (formerly Invitae), Labcorp
Classification: Likely benign. Last evaluated: 2024-03-27. Review status: criteria provided, single submitter. Criteria: Invitae Variant Classification Sherloc (09022015). Collection method: clinical testing. Allele origin: germline.

PreventionGenetics, part of Exact Sciences
Classification: Likely benign for ERCC6L2-related condition. Last evaluated: 2024-03-21. Review status: no assertion criteria provided. Collection method: clinical testing. Allele origin: germline. Not counted in ClinVar's aggregate classification.
Comment: This variant is classified as likely benign based on ACMG/AMP sequence variant interpretation guidelines (Richards et al. 2015 PMID: 25741868, with internal and published modifications).